The following is an entry in ClinVar:

NM_000246.4(CIITA):c.1241G>A (p.Arg414Gln)

Gene: CIITA (class II major histocompatibility complex transactivator; plus strand). Cytogenetic location: 16p13.13.
Variant type: single nucleotide variant.
Coding change: c.1241G>A on transcript NM_000246.4 (MANE Select); coding-DNA position 1241, G replaced by A.
Protein change: p.Arg414Gln; replaces arginine 414 with glutamine.
Molecular consequence: missense variant. On other transcripts: intron variant (1).
Genome position (GRCh38, 1-based): chr16:10,906,733, G>A. VCF-style: chr16-10906733-G-A. GRCh37 (hg19) VCF-style: chr16-11000590-G-A.
Other names: c.1244G>A, p.Arg415Gln (NM_001286402.1, NM_001379332.1); c.1097G>A, p.Arg366Gln (NM_001379330.1); c.1094G>A, p.Arg365Gln (NM_001379331.1); c.1241G>A, p.Arg414Gln (NM_001379333.1); c.1172G>A, p.Arg391Gln (NM_001379334.1); c.859+1921G>A (NM_001286403.2); short protein forms R414Q, R415Q, R365Q, R366Q, R391Q.
Identifiers: ClinVar variation 317690 (VCV000317690.6), dbSNP rs572327540, ClinGen allele CA10636950.

ClinVar aggregate classification (germline): Uncertain significance. Review status: criteria provided, multiple submitters, no conflicts (2 of 4 stars). 2 submissions from 2 submitters: Uncertain significance (2). Last evaluated 2022-04-10.

Conditions:
MHC class II deficiency. Also called: Bare lymphocyte syndrome 2; BLS, TYPE II. Identifiers: Orphanet 572, MedGen C5447452, MONDO:0008855.

Allele frequency attached by ClinVar (database versions not stated): gnomAD 0.00001; gnomAD exomes 0.00001; 1000 Genomes Project 0.00040; 1000 Genomes Project 30x 0.00031.
gnomAD v4.1: 3 of 1,610,840 alleles (0.00019%); highest among the groups gnomAD compares: East Asian, 0.0045%; no homozygotes.

Submissions (2):

Labcorp Genetics (formerly Invitae), Labcorp
Classification: Uncertain significance for MHC class II deficiency. Last evaluated: 2022-04-10. Review status: criteria provided, single submitter. Criteria: Invitae Variant Classification Sherloc (09022015). Collection method: clinical testing. Allele origin: germline.
Comment: This sequence change replaces arginine, which is basic and polar, with glutamine, which is neutral and polar, at codon 414 of the CIITA protein (p.Arg414Gln). This variant is not present in population databases (gnomAD no frequency). This variant has not been reported in the literature in individuals affected with CIITA-related conditions. ClinVar contains an entry for this variant (Variation ID: 317690). Algorithms developed to predict the effect of missense changes on protein structure and function output the following: SIFT: "Tolerated"; PolyPhen-2: "Benign"; Align-GVGD: "Class C0". The glutamine amino acid residue is found in multiple mammalian species, which suggests that this missense change does not adversely affect protein function. In summary, the available evidence is currently insufficient to determine the role of this variant in disease. Therefore, it has been classified as a Variant of Uncertain Significance.

Illumina Laboratory Services, Illumina
Classification: Uncertain significance for MHC class II deficiency 1. Last evaluated: 2018-01-12. Review status: criteria provided, single submitter. Criteria: ICSL Variant Classification Criteria 13 December 2019. Collection method: clinical testing. Allele origin: germline.